The following is an entry in ClinVar:

ClinVar aggregate classification (germline): Likely benign. Review status: criteria provided, multiple submitters, no conflicts (2 of 4 stars). 2 submissions from 2 submitters: Likely benign (2). Last evaluated 2025-11-27.

Conditions:
Glycogen storage disease type X (GSD10). Also called: GSD X; MYOPATHY DUE TO PHOSPHOGLYCERATE MUTASE DEFICIENCY; Glycogen storage disease due to phosphoglycerate mutase deficiency; PGAMM DEFICIENCY; PHOSPHOGLYCERATE MUTASE, MUSCLE, DEFICIENCY OF; Dimauro disease. Identifiers: Orphanet 97234, MedGen C0268149, MONDO:0009865, OMIM 261670.

Allele frequency attached by ClinVar (database versions not stated): ExAC 0.00001; gnomAD exomes 0.00002; TOPMed 0.00006; gnomAD 0.00013 and 0.00015.
gnomAD v4.1: 36 of 1,599,944 alleles (0.0023%); highest among the groups gnomAD compares: Admixed American, 0.04%; no homozygotes.

Submissions (2):

Labcorp Genetics (formerly Invitae), Labcorp
Classification: Likely benign for Glycogen storage disease type X. Last evaluated: 2025-11-27. Review status: criteria provided, single submitter. Criteria: Invitae Variant Classification Sherloc (09022015). Collection method: clinical testing. Allele origin: germline.

GeneDx
Classification: Likely benign. Last evaluated: 2018-02-02. Review status: criteria provided, single submitter. Criteria: GeneDx Variant Classification (06012015). Collection method: clinical testing. Allele origin: germline. Affected: yes.
Comment: This variant is considered likely benign or benign based on one or more of the following criteria: it is a conservative change, it occurs at a poorly conserved position in the protein, it is predicted to be benign by multiple in silico algorithms, and/or has population frequency not consistent with disease.

NM_000290.4(PGAM2):c.531C>G (p.Ala177=)

Genes: DBNL (drebrin like; plus strand), PGAM2 (phosphoglycerate mutase 2; minus strand). Cytogenetic location: 7p13.
Variant type: single nucleotide variant.
Coding change: c.531C>G on transcript NM_000290.4 (MANE Select); coding-DNA position 531, C replaced by G.
Protein change: p.Ala177=; no amino-acid change (alanine 177 retained).
Molecular consequence: synonymous variant. On other transcripts: 3 prime UTR variant (6).
Genome position (GRCh38, 1-based): chr7:44,064,896, G>C on the plus strand (C>G on the coding strand, the complement: PGAM2 is on the minus strand). VCF-style: chr7-44064896-G-C. GRCh37 (hg19) VCF-style: chr7-44104495-G-C.
Other names: c.*3980G>C (NM_001014436.3, NM_001122956.2, NM_001284313.2 and 3 more transcripts).
Identifiers: ClinVar variation 515343 (VCV000515343.5), dbSNP rs555158017, ClinGen allele CA4236542.